The following is an entry in ClinVar:

NM_000059.4(BRCA2):c.3790_3800delinsTTATC (p.Lys1264_Asp1267delinsLeuSer)

Gene: BRCA2 (BRCA2 DNA repair associated; plus strand). Cytogenetic location: 13q13.1.
Variant type: Indel.
Coding change: c.3790_3800delinsTTATC on transcript NM_000059.4 (MANE Select); coding-DNA positions 3790 to 3800, AAATGTCATGA replaced by TTATC.
Protein change: p.Lys1264_Asp1267delinsLeuSer.
Molecular consequence: inframe indel.
Genome position (GRCh38, 1-based): chr13:32,338,145-32,338,155, AAATGTCATGA replaced by TTATC. VCF-style: chr13-32338145-AAATGTCATGA-TTATC. GRCh37 (hg19) VCF-style: chr13-32912282-AAATGTCATGA-TTATC.
Other names: c.3790_3800delAAATGTCATGAinsTTATC, p.Lys1264_Asp1267delinsLeuSer (NM_001406719.1, NM_001406720.1); c.3790_3800del11insTTATC (NM_000059.3).
Identifiers: ClinVar variation 1734946 (VCV001734946.3), dbSNP rs2548526901, ClinGen allele CA2580087226.

ClinVar aggregate classification (germline): Uncertain significance. Review status: criteria provided, multiple submitters, no conflicts (2 of 4 stars). 2 submissions from 2 submitters: Uncertain significance (2). Last evaluated 2023-10-23.

Conditions:
Breast-ovarian cancer, familial, susceptibility to, 2 (BROVCA2). Also called: BRCA2 Hereditary Breast and Ovarian Cancer. Identifiers: Orphanet 145, MedGen C2675520, MONDO:0012933, OMIM 612555. Disease mechanism: loss of function.
Hereditary cancer-predisposing syndrome. Also called: Neoplastic Syndromes, Hereditary; Tumor predisposition; Hereditary Cancer Syndrome; Hereditary neoplastic syndrome. Identifiers: Orphanet 140162, MedGen C0027672, MeSH D009386, MONDO:0015356.

Submissions (2):

All of Us Research Program, National Institutes of Health
Classification: Uncertain significance for Breast-ovarian cancer, familial, susceptibility to, 2. Last evaluated: 2023-10-23. Review status: criteria provided, single submitter. Criteria: ACMG Guidelines, 2015. Collection method: clinical testing. Allele origin: germline. Inheritance: Autosomal dominant inheritance. Observed: 1 variant allele, 1 heterozygote.
Comment: This variant deletes 11 nucleotides and inserts 5 nucleotides, causing an in-frame deletion of cysteine 1265, histidine 1266 and aspartic acid 1267, and insertion of a serine residue in the BRCA2 protein. To our knowledge, functional studies have not been reported for this variant. This variant has not been reported in individuals affected with BRCA2-related disorders in the literature. This variant has not been identified in the general population by the Genome Aggregation Database (gnomAD). The available evidence is insufficient to determine the role of this variant in disease conclusively. Therefore, this variant is classified as a Variant of Uncertain Significance.

This study involves interpretation of variants in research participants for the purpose of population health screening. Participant phenotype was not available at the time of variant classification. Additional details can be found in publication PMID: 35346344, PMCID: PMC8962531

Ambry Genetics
Classification: Uncertain significance for Hereditary cancer-predisposing syndrome. Last evaluated: 2020-01-08. Review status: criteria provided, single submitter. Criteria: Ambry Variant Classification Scheme 2023. Collection method: clinical testing. Allele origin: germline.
Comment: The c.3790_3800del11insTTATC variant (also known as p.K1264_D1267delinsLS), located in coding exon 10 of the BRCA2 gene, results from an in-frame deletion of 11 nucleotides and insertion of TTATC at nucleotide positions 3790 to 3800. This results in the substitution of lysine, cysteine, histidine and aspartic acid residues for a lysine and serine residue at codons 1264 through 1267. These amino acid positions are not well conserved in available vertebrate species. In addition, this alteration is predicted to be deleterious by in silico analysis (Choi Y et al. PLoS ONE. 2012; 7(10):e46688). Since supporting evidence is limited at this time, the clinical significance of this alteration remains unclear.